The following is an entry in ClinVar:

ClinVar aggregate classification (germline): Uncertain significance (1 of 4 stars; one submission).

Conditions:
KMT2D-related disorder. Also called: KMT2D-Related Disorders.

gnomAD v4.1: 1 of 1,535,368 alleles (0.000065%); highest among the groups gnomAD compares: Non-Finnish European, 0.000088%; no homozygotes.

Submission:

PreventionGenetics, part of Exact Sciences
Classification: Uncertain significance for KMT2D-related condition. Last evaluated: 2023-09-29. Review status: criteria provided, single submitter. Criteria: ACMG Guidelines, 2015. Collection method: clinical testing. Allele origin: germline.
Comment: The KMT2D c.13880C>T variant is predicted to result in the amino acid substitution p.Pro4627Leu. To our knowledge, this variant has not been reported in the literature or in a large population database, indicating this variant is rare. At this time, the clinical significance of this variant is uncertain due to the absence of conclusive functional and genetic evidence.

NM_003482.4(KMT2D):c.13880C>T (p.Pro4627Leu)

Gene: KMT2D (lysine methyltransferase 2D; minus strand). Cytogenetic location: 12q13.12.
Variant type: single nucleotide variant.
Coding change: c.13880C>T on transcript NM_003482.4 (MANE Select); coding-DNA position 13880, C replaced by T.
Protein change: p.Pro4627Leu; replaces proline 4627 with leucine.
Molecular consequence: missense variant.
Genome position (GRCh38, 1-based): chr12:49,030,399, G>A on the plus strand (C>T on the coding strand, the complement: KMT2D is on the minus strand). VCF-style: chr12-49030399-G-A. GRCh37 (hg19) VCF-style: chr12-49424182-G-A.
Other names: short protein forms P4627L.
Identifiers: ClinVar variation 2633922 (VCV002633922.1), dbSNP rs2120403446, ClinGen allele CA384701049.